The following is an entry in ClinVar:

ClinVar aggregate classification (germline): Uncertain significance. Review status: criteria provided, multiple submitters, no conflicts (2 of 4 stars). 3 submissions from 3 submitters: Uncertain significance (3). Last evaluated 2025-12-01.

Conditions:
Inborn genetic diseases. Identifiers: MedGen C0950123, MeSH D030342.

Allele frequency attached by ClinVar (database versions not stated): TOPMed 0.00002.
gnomAD v4.1: 3 of 1,546,106 alleles (0.00019%); highest among the groups gnomAD compares: African/African-American, 0.0027%; no homozygotes.

Submissions (3):

Labcorp Genetics (formerly Invitae), Labcorp
Classification: Uncertain significance. Last evaluated: 2025-12-01. Review status: criteria provided, single submitter. Criteria: Invitae Variant Classification Sherloc (09022015). Collection method: clinical testing. Allele origin: germline.
Comment: This sequence change replaces proline, which is neutral and non-polar, with serine, which is neutral and polar, at codon 80 of the TCIRG1 protein (p.Pro80Ser). This variant is not present in population databases (gnomAD no frequency). This variant has not been reported in the literature in individuals affected with TCIRG1-related conditions. ClinVar contains an entry for this variant (Variation ID: 2377174). Invitae Evidence Modeling of protein sequence and biophysical properties (such as structural, functional, and spatial information, amino acid conservation, physicochemical variation, residue mobility, and thermodynamic stability) indicates that this missense variant is not expected to disrupt TCIRG1 protein function with a negative predictive value of 80%. In summary, the available evidence is currently insufficient to determine the role of this variant in disease. Therefore, it has been classified as a Variant of Uncertain Significance.

Ambry Genetics
Classification: Uncertain significance for Inborn genetic diseases. Last evaluated: 2022-11-03. Review status: criteria provided, single submitter. Criteria: Ambry Variant Classification Scheme 2023. Collection method: clinical testing. Allele origin: germline.

Blueprint Genetics
Classification: Uncertain significance. Last evaluated: 2021-12-07. Review status: criteria provided, single submitter. Criteria: ACMG Guidelines, 2015. Collection method: clinical testing. Allele origin: germline.

NM_006019.4(TCIRG1):c.238C>T (p.Pro80Ser)

Gene: TCIRG1 (T cell immune regulator 1, ATPase H+ transporting V0 subunit a3; plus strand). Cytogenetic location: 11q13.2.
Variant type: single nucleotide variant.
Coding change: c.238C>T on transcript NM_006019.4 (MANE Select); coding-DNA position 238, C replaced by T.
Protein change: p.Pro80Ser; replaces proline 80 with serine.
Molecular consequence: missense variant. On other transcripts: 5 prime UTR variant (1).
Genome position (GRCh38, 1-based): chr11:68,042,684, C>T. VCF-style: chr11-68042684-C-T. GRCh37 (hg19) VCF-style: chr11-67810151-C-T.
Other names: c.-1012C>T (NM_001351059.2); short protein forms P80S.
Identifiers: ClinVar variation 2377174 (VCV002377174.4), dbSNP rs1266896439, ClinGen allele CA381575339.
Genomic context (GRCh38, chr11:68,042,684, plus strand): 5'-CCCGTTCCTCTGCGCCCAGCCTTCCTGCAGGAGGAGGTGCGGCGGGCTGGGCTGGTCCTG[C>T]CCCCGCCAAAGGGGAGGCTGCCGGCACCCCCACCCCGGGACCTGCTGCGCATCCAGGAGG-3'
Protein context (NP_006010.2, residues 70-90): EEVRRAGLVL[Pro80Ser]PPKGRLPAPP